The following is an entry in ClinVar:

ClinVar aggregate classification (germline): Uncertain significance (1 of 4 stars; one submission).

Conditions:
Bethlem myopathy 1A. Also called: MYOPATHY, BENIGN CONGENITAL, WITH CONTRACTURES; Bethlem myopathy 1; Bethlem Muscular Dystrophy. Identifiers: Orphanet 610, MedGen CN029274, MONDO:0024530, OMIM 158810.

Submission:

Labcorp Genetics (formerly Invitae), Labcorp
Classification: Uncertain significance for Bethlem myopathy 1A. Last evaluated: 2022-02-20. Review status: criteria provided, single submitter. Criteria: Invitae Variant Classification Sherloc (09022015). Collection method: clinical testing. Allele origin: germline.
Comment: In summary, the available evidence is currently insufficient to determine the role of this variant in disease. Therefore, it has been classified as a Variant of Uncertain Significance. Advanced modeling of protein sequence and biophysical properties (such as structural, functional, and spatial information, amino acid conservation, physicochemical variation, residue mobility, and thermodynamic stability) performed at Invitae indicates that this missense variant is not expected to disrupt COL6A3 protein function. This variant has not been reported in the literature in individuals affected with COL6A3-related conditions. This variant is not present in population databases (gnomAD no frequency). This sequence change replaces alanine, which is neutral and non-polar, with valine, which is neutral and non-polar, at codon 1502 of the COL6A3 protein (p.Ala1502Val).

NM_004369.4(COL6A3):c.4505C>T (p.Ala1502Val)

Gene: COL6A3 (collagen type VI alpha 3 chain; minus strand). Cytogenetic location: 2q37.3.
Variant type: single nucleotide variant.
Coding change: c.4505C>T on transcript NM_004369.4 (MANE Select); coding-DNA position 4505, C replaced by T.
Protein change: p.Ala1502Val; replaces alanine 1502 with valine.
Molecular consequence: missense variant.
Genome position (GRCh38, 1-based): chr2:237,368,958, G>A on the plus strand (C>T on the coding strand, the complement: COL6A3 is on the minus strand). VCF-style: chr2-237368958-G-A. GRCh37 (hg19) VCF-style: chr2-238277601-G-A.
Other names: c.2684C>T, p.Ala895Val (NM_057166.5); c.3887C>T, p.Ala1296Val (NM_057167.4); short protein forms A1296V, A895V, A1502V.
Identifiers: ClinVar variation 2100554 (VCV002100554.4), dbSNP rs2106353091, ClinGen allele CA351193185.
Genomic context (GRCh38, chr2:237,368,958, plus strand): 5'-AATTCGAGAGCCTTGCCAGTGTTCAGTGGGGACCCCCCTCTGAGCCTCAGGCGCCGTATG[G>A]CGTCCAGCACCGGGGCCTGGGATCTGTAGGTTTTCAGATAGAATTCTGGGAAGACATCAT-3'
Protein context (NP_004360.2, residues 1492-1512): TYRSQAPVLD[Ala1502Val]IRRLRLRGGS